The following is an entry in ClinVar:

NM_007294.4(BRCA1):c.5035_5039del (p.Leu1679fs)

Gene: BRCA1 (BRCA1 DNA repair associated; minus strand). Cytogenetic location: 17q21.31.
Variant type: Microsatellite.
Coding change: c.5035_5039del on transcript NM_007294.4 (MANE Select); coding-DNA positions 5035 to 5039, 5 bases deleted (CTAAT; older notation c.5035_5039delCTAAT).
Protein change: p.Leu1679fs; shifts the reading frame from leucine 1679.
Molecular consequence: frameshift variant. On other transcripts: non-coding transcript variant (1).
Genome position (GRCh38, 1-based): chr17:43,067,643-43,067,647, ATTAG deleted on the plus strand (CTAAT on the coding strand, the reverse complement: BRCA1 is on the minus strand); deleting any 5 consecutive bases within chr17:43,067,643-43,067,652 gives the same sequence; the c. name uses the placement nearest the transcript's 3' end. VCF-style (leftmost placement, unchanged base first): chr17-43067642-AATTAG-A. GRCh37 (hg19) VCF-style: chr17-41219659-AATTAG-A.
Other names: 5149del5; 5154del5; c.5035_5039delCTAAT (NM_007294.3); c.4901_4905CTAAT[1], p.Leu1636Tyrfs (NM_001407681.1, NM_001407682.1, NM_001407683.1 and 6 more transcripts); c.5030_5034CTAAT[1], p.Leu1679Tyrfs (NM_001407684.1, NM_001407854.1, NM_001407593.1 and 8 more transcripts); c.4898_4902CTAAT[1], p.Leu1635Tyrfs (NM_001407690.1, NM_001407691.1); c.4889_4893CTAAT[1], p.Leu1632Tyrfs (NM_001407692.1, NM_001407694.1, NM_001407695.1 and 12 more transcripts); c.4886_4890CTAAT[1], p.Leu1631Tyrfs (NM_001407732.1, NM_001407733.1, NM_001407734.1 and 21 more transcripts); and 76 more; short protein forms L1632fs, L1679fs, L575fs, L1700fs.
Identifiers: ClinVar variation 37624 (VCV000037624.34), dbSNP rs80357623, ClinGen allele CA003164.

ClinVar aggregate classification (germline): Pathogenic. Review status: reviewed by expert panel (3 of 4 stars). 14 submissions from 14 submitters: Pathogenic (1). 13 of the submissions do not count toward it. Last evaluated 2016-04-22.

Conditions:
Hereditary cancer-predisposing syndrome. Also called: Tumor predisposition; Neoplastic Syndromes, Hereditary; Hereditary Cancer Syndrome; Hereditary neoplastic syndrome. Identifiers: Orphanet 140162, MedGen C0027672, MeSH D009386, MONDO:0015356.
Hereditary breast ovarian cancer syndrome. Also called: Hereditary breast and ovarian cancer syndrome (HBOC); Hereditary breast and ovarian cancer syndrome; Hereditary breast and ovarian cancer; Hereditary breast and/or ovarian cancer syndrome; Breast and ovarian cancer; BRCA1- and BRCA2-Associated Hereditary Breast and Ovarian Cancer. Identifiers: Orphanet 145, MedGen C0677776, MeSH D061325, MONDO:0003582. Disease mechanism: loss of function.
Breast-ovarian cancer, familial, susceptibility to, 1 (BROVCA1). Also called: OVARIAN CANCER, SUSCEPTIBILITY TO; BRCA1 Hereditary Breast and Ovarian Cancer. Identifiers: Orphanet 145, MedGen C2676676, MONDO:0011450, OMIM 604370. Disease mechanism: loss of function.

Submissions (14):

Evidence-based Network for the Interpretation of Germline Mutant Alleles (ENIGMA)
Classification: Pathogenic for Breast-ovarian cancer, familial, susceptibility to, 1. Last evaluated: 2016-04-22. Review status: reviewed by expert panel. Criteria: ENIGMA BRCA1/2 Classification Criteria (2015). Collection method: curation. Allele origin: germline.
Comment: Variant allele predicted to encode a truncated non-functional protein.

Ambry Genetics
Classification: Pathogenic for Hereditary cancer-predisposing syndrome. Last evaluated: 2025-07-24. Review status: criteria provided, single submitter. Criteria: Ambry Variant Classification Scheme 2023. Collection method: clinical testing. Allele origin: germline. Not counted in ClinVar's aggregate classification.
Comment: The c.5035_5039delCTAAT pathogenic mutation, located in coding exon 15 of the BRCA1 gene, results from a deletion of 5 nucleotides at nucleotide positions 5035 to 5039, causing a translational frameshift with a predicted alternate stop codon (p.L1679Yfs*2). Also designated as 5154del5 in some published literature, this alteration has been seen in multiple patients with breast cancer (Musolino A et al. Tumori;91(6):505-12; John EM et al. JAMA 2007 Dec;298(24):2869-76; Cruz-Correa M et al. Hered Cancer Clin Pract. 2017 Jan;15:3). This variant is considered to be rare based on population cohorts in the Genome Aggregation Database (gnomAD). This alteration is expected to result in loss of function by premature protein truncation or nonsense-mediated mRNA decay. As such, this alteration is interpreted as a disease-causing mutation.

Labcorp Genetics (formerly Invitae), Labcorp
Classification: Pathogenic for Hereditary breast ovarian cancer syndrome. Last evaluated: 2025-05-18. Review status: criteria provided, single submitter. Criteria: Invitae Variant Classification Sherloc (09022015). Collection method: clinical testing. Allele origin: germline. Not counted in ClinVar's aggregate classification.
Comment: This sequence change creates a premature translational stop signal (p.Leu1679Tyrfs*2) in the BRCA1 gene. It is expected to result in an absent or disrupted protein product. Loss-of-function variants in BRCA1 are known to be pathogenic (PMID: 20104584). This variant is not present in population databases (gnomAD no frequency). This premature translational stop signal has been observed in individual(s) with a personal and/or family history of breast and ovarian cancer (PMID: 16457150, 17591842). This variant is also known as 5154del5. Algorithms developed to predict the effect of sequence changes on RNA splicing suggest that this variant may disrupt the consensus splice site. For these reasons, this variant has been classified as Pathogenic.

Color Diagnostics, LLC DBA Color Health
Classification: Pathogenic for Hereditary cancer-predisposing syndrome. Last evaluated: 2025-04-21. Review status: criteria provided, single submitter. Criteria: ACMG Guidelines, 2015. Collection method: clinical testing. Allele origin: germline. Not counted in ClinVar's aggregate classification.
Comment: This variant deletes 5 nucleotides in exon 16 of the BRCA1 gene, creating a frameshift and premature translation stop signal. This variant is expected to result in an absent or non-functional protein product. To our knowledge, functional studies have not been reported for this variant. This variant has been reported in individuals and families affected with breast and ovarian cancer (PMID: 16457150, 17591842, 17592676, 18159056, 27062684). This variant has not been identified in the general population by the Genome Aggregation Database (gnomAD). Loss of BRCA1 function is a known mechanism of disease. Based on the available evidence, this variant is classified as Pathogenic.

Baylor Genetics
Classification: Pathogenic for Breast-ovarian cancer, familial, susceptibility to, 1. Last evaluated: 2022-10-14. Review status: criteria provided, single submitter. Criteria: ACMG Guidelines, 2015. Collection method: clinical testing. Allele origin: unknown. Not counted in ClinVar's aggregate classification.

Quest Diagnostics Nichols Institute San Juan Capistrano
Classification: Pathogenic. Last evaluated: 2022-01-24. Review status: criteria provided, single submitter. Criteria: Quest Diagnostics criteria. Collection method: clinical testing. Allele origin: unknown. Not counted in ClinVar's aggregate classification.

Women's Health and Genetics/Laboratory Corporation of America, LabCorp
Classification: Pathogenic for Hereditary breast and ovarian cancer syndrome. Last evaluated: 2018-11-08. Review status: criteria provided, single submitter. Criteria: LabCorp Variant Classification Summary - May 2015. Collection method: clinical testing. Allele origin: germline. Not counted in ClinVar's aggregate classification.
Comment: Variant summary: BRCA1 c.5035_5039delCTAAT (p.Leu1679TyrfsX2) results in a premature termination codon, predicted to cause a truncation of the encoded protein or absence of the protein due to nonsense mediated decay, which are commonly known mechanisms for disease. Truncations downstream of this position have been classified as pathogenic by our laboratory (e.g. p.Glu1694X and p.Tyr1703X). The variant was absent in 246172 control chromosomes (gnomAD). c.5035_5039delCTAAT has been reported in the literature in multiple individuals affected with Hereditary Breast and Ovarian Cancer. These data indicate that the variant is very likely to be associated with disease. To our knowledge, no experimental evidence demonstrating an impact on protein function has been reported. Seven clinical diagnostic laboratories have submitted clinical-significance assessments for this variant to ClinVar after 2014 without evidence for independent evaluation and all classified the variant as pathogenic. Based on the evidence outlined above, the variant was classified as pathogenic.

Laboratory for Molecular Medicine, Mass General Brigham Personalized Medicine
Classification: Pathogenic for Hereditary breast ovarian cancer syndrome. Last evaluated: 2018-10-19. Review status: criteria provided, single submitter. Criteria: LMM Criteria. Collection method: clinical testing. Allele origin: germline. Inheritance: Autosomal dominant inheritance. Observed: 1 variant allele. Not counted in ClinVar's aggregate classification.
Comment: This variant was absent from large pop ulation studies. The p.Leu1679TyrfsX2 variant is predicted to cause a frameshift , which alters the protein?s amino acid sequence beginning at position 1679 and leads to a premature termination codon 2 amino acids downstream. This alteration is then predicted to lead to a truncated or absent protein. Heterozygous loss o f function of the BRCA1 gene is an established disease mechanism in individuals with HBOC. Moreover, this variant was classified as pathogenic on April 22, 2016 by the ClinGen-approved ENIGMA expert panel (SCV000282336.1). In summary, this variant meets criteria to be classified as pathogenic for HBOC in an autosomal d ominant manner based upon presence in multiple affected individuals, absence fro m the general population, and the predicted impact on the protein. ACMG/AMP Crit eria applied: PVS1, PM2, PS4_Moderate.

GeneDx
Classification: Pathogenic. Last evaluated: 2018-03-05. Review status: criteria provided, single submitter. Criteria: GeneDx Variant Classification (06012015). Collection method: clinical testing. Allele origin: germline. Affected: yes. Not counted in ClinVar's aggregate classification.
Comment: This deletion of five nucleotides in BRCA1 is denoted c.5035_5039delCTAAT at the cDNA level and p.Leu1679TyrfsX2 (L1679YfsX2) at the protein level. The normal sequence, with the bases that are deleted in brackets, is TAAT[delCTAAT]TACT. The deletion causes a frameshift, which changes a Leucine to a Tyrosine at codon 1679, and creates a premature stop codon at position 2 of the new reading frame. This variant is predicted to cause loss of normal protein function through either protein truncation or nonsense-mediated mRNA decay. BRCA1 c.5035_5039delCTAAT, also published as BRCA1 5154del5 using alternate nomenclature, has been observed in individuals with personal and/or family history of breast and/or ovarian cancer (Musolino 2005, John 2007, Veschi 2007, Azzollini 2016, Pellegrino 2016). We consider this variant to be pathogenic.

Eurofins Ntd Llc (ga)
Classification: Pathogenic. Last evaluated: 2016-10-11. Review status: criteria provided, single submitter. Criteria: EGL Classification Definitions 2015. Collection method: clinical testing. Allele origin: germline. Observed: 1 variant allele, 1 heterozygote. Not counted in ClinVar's aggregate classification.

Consortium of Investigators of Modifiers of BRCA1/2 (CIMBA), c/o University of Cambridge
Classification: Pathogenic for Breast-ovarian cancer, familial, susceptibility to, 1. Last evaluated: 2015-10-02. Review status: criteria provided, single submitter. Criteria: CIMBA Mutation Classification guidelines May 2016. Collection method: clinical testing. Allele origin: germline. Not counted in ClinVar's aggregate classification.

Research Molecular Genetics Laboratory, Women's College Hospital, University of Toronto
Classification: Pathogenic for Hereditary breast ovarian cancer syndrome. Last evaluated: 2014-01-31. Review status: no assertion criteria provided. Collection method: research. Allele origin: germline. Affected: yes. Study: The Canadian Open Genetics Repository (COGR). Not counted in ClinVar's aggregate classification.

Sharing Clinical Reports Project (SCRP)
Classification: Pathogenic for Breast-ovarian cancer, familial 1. Last evaluated: 2011-06-17. Review status: no assertion criteria provided. Collection method: clinical testing. Allele origin: germline. Not counted in ClinVar's aggregate classification.

Breast Cancer Information Core (BIC) (BRCA1)
Classification: Pathogenic for Breast-ovarian cancer, familial 1. Last evaluated: 2004-02-20. Review status: no assertion criteria provided. Collection method: clinical testing. Allele origin: germline. Affected: yes. Observed: 7 variant alleles. Not counted in ClinVar's aggregate classification.

Literature cited by the submitters: PubMed 16457150 (cited by 4 submitters); PubMed 18159056 (cited by 4 submitters); PubMed 28127413 (cited by Ambry Genetics); PubMed 20104584 (cited by Labcorp Genetics (formerly Invitae), Labcorp); PubMed 17591842 (cited by 3 submitters); PubMed 17592676 (cited by Color Diagnostics, LLC DBA Color Health and Women's Health and Genetics/Laboratory Corporation of America, LabCorp); PubMed 27062684 (cited by Color Diagnostics, LLC DBA Color Health and Laboratory for Molecular Medicine, Mass General Brigham Personalized Medicine); PubMed 16267036 (cited by Women's Health and Genetics/Laboratory Corporation of America, LabCorp); PubMed 18042939 (cited by Women's Health and Genetics/Laboratory Corporation of America, LabCorp).